The following is an entry in ClinVar:

ClinVar aggregate classification (germline): Uncertain significance (1 of 4 stars; one submission).

Conditions:
Hypertrophic cardiomyopathy. Also called: HYPERTROPHIC MYOCARDIOPATHY. Identifiers: Orphanet 217569, MedGen C0007194, MeSH D002312, MONDO:0005045, HP:0001639.

Submission:

Labcorp Genetics (formerly Invitae), Labcorp
Classification: Uncertain significance for Hypertrophic cardiomyopathy. Last evaluated: 2024-08-30. Review status: criteria provided, single submitter. Criteria: Invitae Variant Classification Sherloc (09022015). Collection method: clinical testing. Allele origin: germline.
Comment: This variant, c.4384_4386del, results in the deletion of 1 amino acid(s) of the MYH7 protein (p.Glu1462del), but otherwise preserves the integrity of the reading frame. This variant is not present in population databases (gnomAD no frequency). This variant has not been reported in the literature in individuals affected with MYH7-related conditions. Experimental studies and prediction algorithms are not available or were not evaluated, and the functional significance of this variant is currently unknown. In summary, the available evidence is currently insufficient to determine the role of this variant in disease. Therefore, it has been classified as a Variant of Uncertain Significance.

NM_000257.4(MYH7):c.4381GAG[1] (p.Glu1462del)

Genes: MHRT (myosin heavy chain associated RNA transcript; plus strand), MYH7 (myosin heavy chain 7; minus strand). Cytogenetic location: 14q11.2.
Variant type: Microsatellite.
Coding change: c.4381GAG[1] on transcript NM_000257.4 (MANE Select); one copy of the 3-base unit GAG starting at c.4381; the reference has two copies in a row; one copy, 3 bases deleted.
Protein change: p.Glu1462del; deletes glutamic acid 1462.
Molecular consequence: non-coding transcript variant (on NR_126491.1).
Genome position (GRCh38, 1-based): chr14:23,417,286-23,417,288, CTC deleted on the plus strand (GAG on the coding strand, the reverse complement: MYH7 is on the minus strand); deleting any 3 consecutive bases within chr14:23,417,286-23,417,291 gives the same sequence; the position shown is the placement nearest the transcript's 3' end. VCF-style (leftmost placement, unchanged base first): chr14-23417285-ACTC-A. GRCh37 (hg19) VCF-style: chr14-23886494-ACTC-A.
Other names: c.4381GAG[1], p.Glu1462del (NM_001407004.1); short protein forms E1462del.
Identifiers: ClinVar variation 3664004 (VCV003664004.2).